The following is an entry in ClinVar:

ClinVar aggregate classification (germline): Likely pathogenic (1 of 4 stars; one submission).

Conditions:
Thrombophilia due to protein S deficiency, autosomal dominant (THPH5). Identifiers: Orphanet 26349, Orphanet 743, MedGen C3278211, MONDO:0012868, OMIM 612336. Disease mechanism: loss of function.

Submission:

ISTH-SSC Genomics in Thrombosis and Hemostasis, KU Leuven, Center for Molecular and Vascular Biology
Classification: Likely pathogenic for Thrombophilia due to protein S deficiency, autosomal dominant. Review status: criteria provided, single submitter. Criteria: ACMG Guidelines, 2015. Collection method: clinical testing. Allele origin: germline. Affected: yes. Observed: 1 heterozygote.
Comment: Submitted to the GoldVariant database by Kathleen Freson, Center for Molecular and Vascular Biology

NM_000313.4(PROS1):c.346+1G>T

Gene: PROS1 (protein S; minus strand). Cytogenetic location: 3q11.1.
Variant type: single nucleotide variant.
Coding change: c.346+1G>T on transcript NM_000313.4 (MANE Select); the canonical splice donor site of the intron after coding-DNA position 346, G replaced by T.
Molecular consequence: splice donor variant.
Genome position (GRCh38, 1-based): chr3:93,910,618, C>A on the plus strand (G>T on the coding strand, the complement: PROS1 is on the minus strand). VCF-style: chr3-93910618-C-A. GRCh37 (hg19) VCF-style: chr3-93629462-C-A.
Other names: c.442+1G>T (NM_001314077.2).
Identifiers: ClinVar variation 2572156 (VCV002572156.1), dbSNP rs2472148801, ClinGen allele CA353673974.